The following is an entry in ClinVar:

ClinVar aggregate classification (germline): Uncertain significance. Review status: criteria provided, multiple submitters, no conflicts (2 of 4 stars). 2 submissions from 2 submitters: Uncertain significance (2). Last evaluated 2025-08-06.

Conditions:
Oto-palato-digital syndrome, type II (OPD2). Also called: Otopalatodigital Syndrome Type 2 (FLNA-OPD2); FACIOPALATOOSSEOUS SYNDROME; OPD II SYNDROME; Otopalatodigital Syndrome, Type II. Identifiers: Orphanet 669, Orphanet 90652, MedGen C1844696, MONDO:0010571, OMIM 304120.
Heterotopia, periventricular, X-linked dominant (PVNH1). Also called: PERIVENTRICULAR NODULAR HETEROTOPIA 1; X-linked periventricular heterotopia; PERIVENTRICULAR NODULAR HETEROTOPIA 4; HETEROTOPIA, PERIVENTRICULAR, 1. Identifiers: Orphanet 2149, Orphanet 82004, MedGen C1848213, MONDO:0010233, OMIM 300049.
Melnick-Needles syndrome (MNS). Also called: Melnick-Needles Syndrome (FLNA-MNS); MELNICK-NEEDLES OSTEODYSPLASTY; OSTEODYSPLASTY OF MELNICK AND NEEDLES. Identifiers: Orphanet 2484, MedGen C0025237, MONDO:0010650, OMIM 309350.
Frontometaphyseal dysplasia (FMD1). Identifiers: Orphanet 1826, MedGen C0265293, MONDO:0015942.

Submissions (2):

Mayo Clinic Laboratories, Mayo Clinic
Classification: Uncertain significance. Last evaluated: 2025-08-06. Review status: criteria provided, single submitter. Criteria: ACMG Guidelines, 2015. Collection method: clinical testing. Allele origin: germline. Observed: 1 variant allele.
Comment: PM2_supporting

Labcorp Genetics (formerly Invitae), Labcorp
Classification: Uncertain significance for Oto-palato-digital syndrome, type II; Heterotopia, periventricular, X-linked dominant; Frontometaphyseal dysplasia; Melnick-Needles syndrome. Last evaluated: 2023-04-09. Review status: criteria provided, single submitter. Criteria: Invitae Variant Classification Sherloc (09022015). Collection method: clinical testing. Allele origin: germline.
Comment: In summary, the available evidence is currently insufficient to determine the role of this variant in disease. Therefore, it has been classified as a Variant of Uncertain Significance. Advanced modeling of protein sequence and biophysical properties (such as structural, functional, and spatial information, amino acid conservation, physicochemical variation, residue mobility, and thermodynamic stability) performed at Invitae indicates that this missense variant is not expected to disrupt FLNA protein function. This variant has not been reported in the literature in individuals affected with FLNA-related conditions. This variant is not present in population databases (gnomAD no frequency). This sequence change replaces lysine, which is basic and polar, with glutamic acid, which is acidic and polar, at codon 1164 of the FLNA protein (p.Lys1164Glu).

NM_001110556.2(FLNA):c.3490A>G (p.Lys1164Glu)

Gene: FLNA (filamin A; minus strand). Cytogenetic location: Xq28.
Variant type: single nucleotide variant.
Coding change: c.3490A>G on transcript NM_001110556.2 (MANE Select); coding-DNA position 3490, A replaced by G.
Protein change: p.Lys1164Glu; replaces lysine 1164 with glutamic acid.
Molecular consequence: missense variant.
Genome position (GRCh38, 1-based): chrX:154,360,305, T>C on the plus strand (A>G on the coding strand, the complement: FLNA is on the minus strand). VCF-style: chrX-154360305-T-C. GRCh37 (hg19) VCF-style: chrX-153588673-T-C.
Other names: p.Lys1164Glu; c.3490A>G (NM_001456.3); c.3490A>G, p.Lys1164Glu (NM_001456.4); short protein forms K1164E.
Identifiers: ClinVar variation 2928204 (VCV002928204.4), dbSNP rs2522741197, ClinGen allele CA415227019.